The following is an entry in ClinVar:

ClinVar aggregate classification (germline): Uncertain significance (1 of 4 stars; one submission).

Conditions:
Neonatal-onset encephalopathy with rigidity and seizures. Also called: Lethal neonatal spasticity-epileptic encephalopathy syndrome. Identifiers: Orphanet 435845, MedGen C3281029, MONDO:0013784, OMIM 614498.

Allele frequency attached by ClinVar (database versions not stated): gnomAD 0.00002 and 0.00003; TOPMed 0.00002; gnomAD exomes 0.00003 and 0.00004; ExAC 0.00007; 1000 Genomes Project 30x 0.00031; 1000 Genomes Project 0.00040.

Submission:

Labcorp Genetics (formerly Invitae), Labcorp
Classification: Uncertain significance for Neonatal-onset encephalopathy with rigidity and seizures. Last evaluated: 2022-09-01. Review status: criteria provided, single submitter. Criteria: Invitae Variant Classification Sherloc (09022015). Collection method: clinical testing. Allele origin: germline.
Comment: This sequence change replaces glycine, which is neutral and non-polar, with arginine, which is basic and polar, at codon 336 of the BRAT1 protein (p.Gly336Arg). The frequency data for this variant in the population databases is considered unreliable, as metrics indicate poor data quality at this position in the gnomAD database. This variant has not been reported in the literature in individuals affected with BRAT1-related conditions. ClinVar contains an entry for this variant (Variation ID: 654017). Algorithms developed to predict the effect of missense changes on protein structure and function are either unavailable or do not agree on the potential impact of this missense change (SIFT: "Deleterious"; PolyPhen-2: "Possibly Damaging"; Align-GVGD: "Class C0"). In summary, the available evidence is currently insufficient to determine the role of this variant in disease. Therefore, it has been classified as a Variant of Uncertain Significance.

NM_152743.4(BRAT1):c.1006G>A (p.Gly336Arg)

Gene: BRAT1 (BRCA1 associated ATM activator 1; minus strand). Cytogenetic location: 7p22.3.
Variant type: single nucleotide variant.
Coding change: c.1006G>A on transcript NM_152743.4 (MANE Select); coding-DNA position 1006, G replaced by A.
Protein change: p.Gly336Arg; replaces glycine 336 with arginine.
Molecular consequence: missense variant. On other transcripts: non-coding transcript variant (1).
Genome position (GRCh38, 1-based): chr7:2,542,129, C>T on the plus strand (G>A on the coding strand, the complement: BRAT1 is on the minus strand). VCF-style: chr7-2542129-C-T. GRCh37 (hg19) VCF-style: chr7-2581763-C-T.
Other names: c.1006G>A, p.Gly336Arg (NM_001350626.2); c.481G>A, p.Gly161Arg (NM_001350627.2); short protein forms G336R, G161R.
Identifiers: ClinVar variation 654017 (VCV000654017.6), dbSNP rs530644659, ClinGen allele CA4127979.